The following is an entry in ClinVar:

NM_000901.5(NR3C2):c.1758-1G>A

Gene: NR3C2 (nuclear receptor subfamily 3 group C member 2; minus strand). Cytogenetic location: 4q31.23.
Variant type: single nucleotide variant.
Coding change: c.1758-1G>A on transcript NM_000901.5 (MANE Select); the canonical splice acceptor site of the intron before coding-DNA position 1758, G replaced by A.
Molecular consequence: splice acceptor variant.
Genome position (GRCh38, 1-based): chr4:148,260,118, C>T on the plus strand (G>A on the coding strand, the complement: NR3C2 is on the minus strand). VCF-style: chr4-148260118-C-T. GRCh37 (hg19) VCF-style: chr4-149181270-C-T.
Other names: c.1758-1G>A (NM_001354819.1, NM_001166104.2).
Identifiers: ClinVar variation 3350126 (VCV003350126.1).
Genomic context (GRCh38, chr4:148,260,118, plus strand): 5'-CACACCAAACATATTTTTGAAGGTCTTGAAGATCCAGTAGAAACACTTCGTAAAGTAGAG[C>T]TGGGGAAAGAAATTGAGATTTAAATAACTACACCGTAAAGGCACATTTAACATGCTGCAC-3'

ClinVar aggregate classification (germline): Likely pathogenic (0 of 4 stars; one submission).

Conditions:
NR3C2-related disorder. Also called: NR3C2-related disorders; NR3C2-related condition.

Submission:

PreventionGenetics, part of Exact Sciences
Classification: Likely pathogenic for NR3C2-related condition. Last evaluated: 2024-04-12. Review status: no assertion criteria provided. Collection method: clinical testing. Allele origin: germline.
Comment: The NR3C2 c.1758-1G>A variant is predicted to disrupt the AG splice acceptor site and interfere with normal splicing. To our knowledge, this variant has not been reported in the literature or in a large population database, indicating this variant is rare. Variants that disrupt the consensus splice acceptor site in NR3C2 are expected to be pathogenic. This variant is interpreted as likely pathogenic.